The following is an entry in ClinVar:

ClinVar aggregate classification (germline): Likely benign (1 of 4 stars; one submission).

Allele frequency attached by ClinVar (database versions not stated): ESP Exome Variant Server 0.00008.
gnomAD v4.1: 46 of 1,598,822 alleles (0.0029%); highest among the groups gnomAD compares: East Asian, 0.031%; 1 homozygote.

Submission:

CeGaT Center for Human Genetics Tuebingen
Classification: Likely benign. Last evaluated: 2024-11-01. Review status: criteria provided, single submitter. Criteria: CeGaT Center For Human Genetics Tuebingen Variant Classification Criteria Version 2. Collection method: clinical testing. Allele origin: germline. Affected: yes. Observed: 1 variant allele.
Comment: RORA: BP4

NM_134261.3(RORA):c.197-26462G>A

Genes: RORA (RAR related orphan receptor A; minus strand), RORA-AS1 (RORA antisense RNA 1; plus strand). Cytogenetic location: 15q22.2.
Variant type: single nucleotide variant.
Coding change: c.197-26462G>A on transcript NM_134261.3 (MANE Select); 26462 bases into the intron before coding-DNA position 197, G replaced by A.
Molecular consequence: intron variant.
Genome position (GRCh38, 1-based): chr15:60,558,313, C>T on the plus strand (G>A on the coding strand, the complement: RORA is on the minus strand). VCF-style: chr15-60558313-C-T. GRCh37 (hg19) VCF-style: chr15-60850512-C-T.
Other names: c.138-7G>A (NM_134260.3); c.272-26462G>A (NM_002943.4); c.32-26462G>A (NM_134262.3).
Identifiers: ClinVar variation 2645395 (VCV002645395.24), dbSNP rs370003507, ClinGen allele CA7593827.